The following is an entry in ClinVar:

ClinVar aggregate classification (germline): Uncertain significance. Review status: criteria provided, multiple submitters, no conflicts (2 of 4 stars). 3 submissions from 3 submitters: Uncertain significance (3). Last evaluated 2024-11-12.

Conditions:
Inborn genetic diseases. Identifiers: MedGen C0950123, MeSH D030342.
Schimke immuno-osseous dysplasia (SIOD). Also called: Schimke Immunoosseous Dysplasia. Identifiers: Orphanet 1830, MedGen C0877024, MONDO:0009458, OMIM 242900.

Allele frequency attached by ClinVar (database versions not stated): TOPMed 0.00002; ExAC 0.00003; gnomAD 0.00004; gnomAD exomes 0.00004.
gnomAD v4.1: 30 of 1,614,128 alleles (0.0019%); highest among the groups gnomAD compares: Admixed American, 0.01%; no homozygotes.

Submissions (3):

Ambry Genetics
Classification: Uncertain significance for Inborn genetic diseases. Last evaluated: 2024-11-12. Review status: criteria provided, single submitter. Criteria: Ambry Variant Classification Scheme 2023. Collection method: clinical testing. Allele origin: germline.

Labcorp Genetics (formerly Invitae), Labcorp
Classification: Uncertain significance for Schimke immuno-osseous dysplasia. Last evaluated: 2022-09-07. Review status: criteria provided, single submitter. Criteria: Invitae Variant Classification Sherloc (09022015). Collection method: clinical testing. Allele origin: germline.
Comment: This sequence change replaces serine, which is neutral and polar, with leucine, which is neutral and non-polar, at codon 200 of the SMARCAL1 protein (p.Ser200Leu). This variant is present in population databases (rs777896137, gnomAD 0.02%). This variant has not been reported in the literature in individuals affected with SMARCAL1-related conditions. ClinVar contains an entry for this variant (Variation ID: 1406484). Algorithms developed to predict the effect of missense changes on protein structure and function output the following: SIFT: "Tolerated"; PolyPhen-2: "Benign"; Align-GVGD: "Class C0". The leucine amino acid residue is found in multiple mammalian species, which suggests that this missense change does not adversely affect protein function. In summary, the available evidence is currently insufficient to determine the role of this variant in disease. Therefore, it has been classified as a Variant of Uncertain Significance.

Fulgent Genetics
Classification: Uncertain significance for Schimke immuno-osseous dysplasia. Last evaluated: 2021-11-29. Review status: criteria provided, single submitter. Criteria: ACMG Guidelines, 2015. Collection method: clinical testing. Allele origin: unknown.

NM_014140.4(SMARCAL1):c.599C>T (p.Ser200Leu)

Gene: SMARCAL1 (SNF2 related chromatin remodeling annealing helicase 1; plus strand). Cytogenetic location: 2q35.
Variant type: single nucleotide variant.
Coding change: c.599C>T on transcript NM_014140.4 (MANE Select); coding-DNA position 599, C replaced by T.
Protein change: p.Ser200Leu; replaces serine 200 with leucine.
Molecular consequence: missense variant.
Genome position (GRCh38, 1-based): chr2:216,415,303, C>T. VCF-style: chr2-216415303-C-T. GRCh37 (hg19) VCF-style: chr2-217280026-C-T.
Other names: c.599C>T (NM_014140.3); c.599C>T, p.Ser200Leu (NM_001127207.2); short protein forms S200L.
Identifiers: ClinVar variation 1406484 (VCV001406484.5), dbSNP rs777896137, ClinGen allele CA2097618.